The following is an entry in ClinVar:

ClinVar aggregate classification (germline): Uncertain significance. Review status: criteria provided, multiple submitters, no conflicts (2 of 4 stars). 2 submissions from 2 submitters: Uncertain significance (2). Last evaluated 2026-04-01.

Conditions:
Inborn genetic diseases. Identifiers: MedGen C0950123, MeSH D030342.

Allele frequency attached by ClinVar (database versions not stated): gnomAD exomes below 0.00001.
gnomAD v4.1: 3 of 1,179,016 alleles (0.00025%); highest among the groups gnomAD compares: Non-Finnish European, 0.00035%; no homozygotes.

Submissions (2):

Ambry Genetics
Classification: Uncertain significance for Inborn genetic diseases. Last evaluated: 2026-04-01. Review status: criteria provided, single submitter. Criteria: Ambry Variant Classification Scheme 2023. Collection method: clinical testing. Allele origin: germline.

Labcorp Genetics (formerly Invitae), Labcorp
Classification: Uncertain significance. Last evaluated: 2022-03-10. Review status: criteria provided, single submitter. Criteria: Invitae Variant Classification Sherloc (09022015). Collection method: clinical testing. Allele origin: germline.
Comment: In summary, the available evidence is currently insufficient to determine the role of this variant in disease. Therefore, it has been classified as a Variant of Uncertain Significance. Algorithms developed to predict the effect of missense changes on protein structure and function (SIFT, PolyPhen-2, Align-GVGD) all suggest that this variant is likely to be tolerated. This variant has not been reported in the literature in individuals affected with FRMD7-related conditions. This variant is not present in population databases (gnomAD no frequency). This sequence change replaces arginine, which is basic and polar, with glycine, which is neutral and non-polar, at codon 110 of the FRMD7 protein (p.Arg110Gly).

NM_194277.3(FRMD7):c.328A>G (p.Arg110Gly)

Gene: FRMD7 (FERM domain containing 7; minus strand). Cytogenetic location: Xq26.2.
Variant type: single nucleotide variant.
Coding change: c.328A>G on transcript NM_194277.3 (MANE Select); coding-DNA position 328, A replaced by G.
Protein change: p.Arg110Gly; replaces arginine 110 with glycine.
Molecular consequence: missense variant.
Genome position (GRCh38, 1-based): chrX:132,094,096, T>C on the plus strand (A>G on the coding strand, the complement: FRMD7 is on the minus strand). VCF-style: chrX-132094096-T-C. GRCh37 (hg19) VCF-style: chrX-131228124-T-C.
Other names: c.283A>G, p.Arg95Gly (NM_001306193.2); c.328A>G (NM_194277.2); short protein forms R110G, R95G.
Identifiers: ClinVar variation 1461683 (VCV001461683.9), dbSNP rs2124241096, ClinGen allele CA414681674.